The following is an entry in ClinVar:

NM_000127.3(EXT1):c.913C>T (p.Gln305Ter)

Gene: EXT1 (exostosin glycosyltransferase 1; minus strand). Cytogenetic location: 8q24.11.
Variant type: single nucleotide variant.
Coding change: c.913C>T on transcript NM_000127.3 (MANE Select); coding-DNA position 913, C replaced by T.
Protein change: p.Gln305Ter; replaces glutamine 305 with a stop codon.
Molecular consequence: nonsense.
Genome position (GRCh38, 1-based): chr8:118,110,134, G>A on the plus strand (C>T on the coding strand, the complement: EXT1 is on the minus strand). VCF-style: chr8-118110134-G-A. GRCh37 (hg19) VCF-style: chr8-119122373-G-A.
Other names: short protein forms Q305*.
Identifiers: ClinVar variation 488690 (VCV000488690.11), dbSNP rs1554601474, ClinGen allele CA371914771.

ClinVar aggregate classification (germline): Pathogenic. Review status: criteria provided, multiple submitters, no conflicts (2 of 4 stars). 2 submissions from 2 submitters: Pathogenic (2). Last evaluated 2025-05-07.

Conditions:
Multiple congenital exostosis (EXT). Also called: Multiple osteochondromas; Multiple exostoses; Hereditary multiple exostoses; Hereditary multiple exostosis; MULTIPLE CARTILAGINOUS EXOSTOSES; Hereditary multiple osteochondromas. Identifiers: Orphanet 321, MedGen C0015306, MONDO:0005508, HP:0002762.

Submissions (2):

GeneDx
Classification: Pathogenic. Last evaluated: 2025-05-07. Review status: criteria provided, single submitter. Criteria: GeneDx Variant Classification Process June 2021. Collection method: clinical testing. Allele origin: germline. Affected: yes.
Comment: Nonsense variant predicted to result in protein truncation or nonsense mediated decay in a gene for which loss of function is a known mechanism of disease; Not observed at significant frequency in large population cohorts (gnomAD); Reported in an individual with multiple osteochondromas in published literature (PMID: 17301954); This variant is associated with the following publications: (PMID: 19810120, 17301954)

Labcorp Genetics (formerly Invitae), Labcorp
Classification: Pathogenic for Multiple congenital exostosis. Last evaluated: 2022-05-24. Review status: criteria provided, single submitter. Criteria: Invitae Variant Classification Sherloc (09022015). Collection method: clinical testing. Allele origin: germline.
Comment: This premature translational stop signal has been observed in individual(s) with multiple osteochondromas (PMID: 17301954). For these reasons, this variant has been classified as Pathogenic. Algorithms developed to predict the effect of sequence changes on RNA splicing suggest that this variant may create or strengthen a splice site. ClinVar contains an entry for this variant (Variation ID: 488690). This variant is not present in population databases (gnomAD no frequency). This sequence change creates a premature translational stop signal (p.Gln305*) in the EXT1 gene. It is expected to result in an absent or disrupted protein product. Loss-of-function variants in EXT1 are known to be pathogenic (PMID: 10679937, 11391482, 19810120).

Literature cited by the submitters: PubMed 17301954 (cited by Labcorp Genetics (formerly Invitae), Labcorp); PubMed 10679937 (cited by Labcorp Genetics (formerly Invitae), Labcorp); PubMed 11391482 (cited by Labcorp Genetics (formerly Invitae), Labcorp); PubMed 19810120 (cited by Labcorp Genetics (formerly Invitae), Labcorp).